The following is an entry in ClinVar:

NM_001330078.2(NRXN1):c.2597T>C (p.Ile866Thr)

Gene: NRXN1 (neurexin 1; minus strand). Cytogenetic location: 2p16.3.
Variant type: single nucleotide variant.
Coding change: c.2597T>C on transcript NM_001330078.2 (MANE Select); coding-DNA position 2597, T replaced by C.
Protein change: p.Ile866Thr; replaces isoleucine 866 with threonine.
Molecular consequence: missense variant.
Genome position (GRCh38, 1-based): chr2:50,497,615, A>G on the plus strand (T>C on the coding strand, the complement: NRXN1 is on the minus strand). VCF-style: chr2-50497615-A-G. GRCh37 (hg19) VCF-style: chr2-50724753-A-G.
Other names: p.I906T:ATT>ACT; c.2717T>C, p.Ile906Thr (NM_001135659.3); c.2573T>C, p.Ile858Thr (NM_001330077.2, NM_001330082.2); c.2531T>C, p.Ile844Thr (NM_001330083.2, NM_001330084.2); c.2570T>C, p.Ile857Thr (NM_001330085.2); c.2597T>C, p.Ile866Thr (NM_001330086.2, NM_004801.6); c.2486T>C, p.Ile829Thr (NM_001330087.2, NM_001330096.2); c.2516T>C, p.Ile839Thr (NM_001330088.2); and 3 more; short protein forms I906T, I839T, I844T, I862T, I857T, I858T, I849T, I865T.
Identifiers: ClinVar variation 206250 (VCV000206250.12), dbSNP rs796052779, ClinGen allele CA316147.

ClinVar aggregate classification (germline): Uncertain significance. Review status: criteria provided, multiple submitters, no conflicts (2 of 4 stars). 3 submissions from 3 submitters: Uncertain significance (3). Last evaluated 2024-10-23.

Conditions:
Pitt-Hopkins-like syndrome 2 (PTHSL2). Identifiers: Orphanet 221150, Orphanet 600663, MedGen C3280479, MONDO:0013690, OMIM 614325.
Chromosome 2p16.3 deletion syndrome. Identifiers: MedGen C3808494, MONDO:0013696, OMIM 614332.

Allele frequency attached by ClinVar (database versions not stated): TOPMed 0.00001.
gnomAD v4.1: 9 of 1,613,942 alleles (0.00056%); highest among the groups gnomAD compares: South Asian, 0.0022%; no homozygotes.

Submissions (3):

Labcorp Genetics (formerly Invitae), Labcorp
Classification: Uncertain significance for Pitt-Hopkins-like syndrome 2. Last evaluated: 2024-10-23. Review status: criteria provided, single submitter. Criteria: Invitae Variant Classification Sherloc (09022015). Collection method: clinical testing. Allele origin: germline.
Comment: This sequence change replaces isoleucine, which is neutral and non-polar, with threonine, which is neutral and polar, at codon 906 of the NRXN1 protein (p.Ile906Thr). This variant is not present in population databases (gnomAD no frequency). This variant has not been reported in the literature in individuals affected with NRXN1-related conditions. ClinVar contains an entry for this variant (Variation ID: 206250). An algorithm developed to predict the effect of missense changes on protein structure and function (PolyPhen-2) suggests that this variant is likely to be disruptive. In summary, the available evidence is currently insufficient to determine the role of this variant in disease. Therefore, it has been classified as a Variant of Uncertain Significance.

Fulgent Genetics
Classification: Uncertain significance for Pitt-Hopkins-like syndrome 2; Chromosome 2p16.3 deletion syndrome. Last evaluated: 2022-01-03. Review status: criteria provided, single submitter. Criteria: ACMG Guidelines, 2015. Collection method: clinical testing. Allele origin: unknown.

GeneDx
Classification: Uncertain significance. Last evaluated: 2020-03-06. Review status: criteria provided, single submitter. Criteria: GeneDx Variant Classification Process June 2021. Collection method: clinical testing. Allele origin: germline. Affected: yes.
Comment: Not observed in large population cohorts (Lek et al., 2016); In silico analysis supports that this missense variant has a deleterious effect on protein structure/function; Has not been previously published as pathogenic or benign to our knowledge